The following is an entry in ClinVar:

ClinVar aggregate classification (germline): Benign/Likely benign. Review status: criteria provided, multiple submitters, no conflicts (2 of 4 stars). 10 submissions from 10 submitters: Benign (3); Likely benign (4). 3 of the submissions do not count toward it. Last evaluated 2026-01-19.

Conditions:
Familial thoracic aortic aneurysm and aortic dissection (TAAD). Also called: Thoracic aortic aneurysms and dissections. Identifiers: Orphanet 91387, MedGen C4707243, MONDO:0019625.
Aortic aneurysm, familial thoracic 4 (AAT4). Also called: AORTIC ANEURYSM/AORTIC DISSECTION AND PATENT DUCTUS ARTERIOSUS. Identifiers: MedGen C1851504, MONDO:0007568, OMIM 132900.

Allele frequency attached by ClinVar (database versions not stated): gnomAD 0.00006 and 0.00008; ESP Exome Variant Server 0.00008; TOPMed 0.00008; gnomAD exomes 0.00014 and 0.00022; 1000 Genomes Project 30x 0.00016; 1000 Genomes Project 0.00020; ExAC 0.00021.
gnomAD v4.1: 217 of 1,606,038 alleles (0.014%); highest among the groups gnomAD compares: Middle Eastern, 0.43%; 1 homozygote.

Submissions (10):

Labcorp Genetics (formerly Invitae), Labcorp
Classification: Benign for Aortic aneurysm, familial thoracic 4. Last evaluated: 2026-01-19. Review status: criteria provided, single submitter. Criteria: Invitae Variant Classification Sherloc (09022015). Collection method: clinical testing. Allele origin: germline.

CeGaT Center for Human Genetics Tuebingen
Classification: Likely benign. Last evaluated: 2025-07-01. Review status: criteria provided, single submitter. Criteria: CeGaT Center For Human Genetics Tuebingen Variant Classification Criteria Version 2. Collection method: clinical testing. Allele origin: germline. Affected: yes. Observed: 9 variant alleles.
Comment: MYH11: BP4, BS1

Blueprint Genetics
Classification: Likely benign. Last evaluated: 2024-03-11. Review status: criteria provided, single submitter. Criteria: ACMG Guidelines, 2015. Collection method: clinical testing. Allele origin: germline.

Color Diagnostics, LLC DBA Color Health
Classification: Likely benign for Familial thoracic aortic aneurysm and aortic dissection. Last evaluated: 2018-11-11. Review status: criteria provided, single submitter. Criteria: ACMG Guidelines, 2015. Collection method: clinical testing. Allele origin: germline.

Illumina Laboratory Services, Illumina
Classification: Benign for Aortic aneurysm, familial thoracic 4. Last evaluated: 2017-04-27. Review status: criteria provided, single submitter. Criteria: ICSL Variant Classification Criteria 13 December 2019. Collection method: clinical testing. Allele origin: germline.
Comment: This variant was observed as part of a predisposition screen in an ostensibly healthy population. A literature search was performed for the gene, cDNA change, and amino acid change (where applicable). Publications were found based on this search. The evidence from the literature, in combination with allele frequency data from public databases where available, was sufficient to rule this variant out of causing disease. Therefore, this variant is classified as benign.

Clinical Genetics DNA and cytogenetics Diagnostics Lab, Erasmus MC, Erasmus Medical Center
Classification: Likely benign for Aortic aneurysm, familial thoracic 4. Last evaluated: 2015-07-22. Review status: criteria provided, single submitter. Criteria: ACGS Guidelines, 2013. Collection method: clinical testing. Allele origin: germline. Affected: yes. Study: VKGL Data-share Consensus.

GeneDx
Classification: Benign. Last evaluated: 2015-03-03. Review status: criteria provided, single submitter. Criteria: GeneDx Variant Classification Process June 2021. Collection method: clinical testing. Allele origin: germline. Affected: yes.

Genome Diagnostics Laboratory, Amsterdam University Medical Center
Classification: Likely benign for Aortic aneurysm, familial thoracic 4. Last evaluated: 2014-02-04. Review status: no assertion criteria provided. Criteria: ACGS Guidelines, 2013. Collection method: clinical testing. Allele origin: germline. Affected: yes. Study: VKGL Data-share Consensus. Not counted in ClinVar's aggregate classification.

Genome Diagnostics Laboratory, University Medical Center Utrecht
Classification: Likely benign. Review status: no assertion criteria provided. Collection method: clinical testing. Allele origin: germline. Affected: yes. Study: VKGL Data-share Consensus. Not counted in ClinVar's aggregate classification.

Joint Genome Diagnostic Labs from Nijmegen and Maastricht, Radboudumc and MUMC+
Classification: Likely benign. Review status: no assertion criteria provided. Collection method: clinical testing. Allele origin: germline. Affected: yes. Study: VKGL Data-share Consensus. Not counted in ClinVar's aggregate classification.

Literature cited by the submitters: PubMed 26017485 (cited by Illumina Laboratory Services, Illumina).

NM_002474.3(MYH11):c.5614-7G>A

Genes: MYH11 (myosin heavy chain 11; minus strand), NDE1 (nudE neurodevelopment protein 1; plus strand). Cytogenetic location: 16p13.11.
Variant type: single nucleotide variant.
Coding change: c.5614-7G>A on transcript NM_002474.3 (MANE Select); 7 bases into the intron before coding-DNA position 5614, G replaced by A.
Molecular consequence: intron variant.
Genome position (GRCh38, 1-based): chr16:15,715,088, C>T on the plus strand (G>A on the coding strand, the complement: MYH11 is on the minus strand). VCF-style: chr16-15715088-C-T. GRCh37 (hg19) VCF-style: chr16-15808945-C-T.
Other names: c.948-9103C>T (NM_001143979.2, NM_017668.3); c.5614-7G>A (NM_022844.3); c.5635-7G>A (NM_001040114.2, NM_001040113.2).
Identifiers: ClinVar variation 318092 (VCV000318092.53), dbSNP rs202120792, ClinGen allele CA7921187.
Genomic context (GRCh38, chr16:15,715,088, plus strand): 5'-TGCCTCCTCCAGCTGCCTCTTGAGCTGCTTGACCCTGGCATTGCCTTTCTCTGCCTGTCG[C>T]GGAGAGTTGGAGGGGTGGTTAGGGGAGGCCGGCTGGGGGCTGGGGGCTCGAGGGAGGCTG-3'